The following is an entry in ClinVar:

ClinVar aggregate classification (germline): Pathogenic (1 of 4 stars; one submission).

Conditions:
Congenital lactic acidosis, Saguenay-Lac-Saint-Jean type (MC4DN5). Also called: CYTOCHROME c OXIDASE DEFICIENCY, FRENCH CANADIAN TYPE; COX DEFICIENCY, FRENCH CANADIAN TYPE; MITOCHONDRIAL COMPLEX IV DEFICIENCY, NUCLEAR TYPE 5. Identifiers: Orphanet 70472, MedGen C1857355, MONDO:0009069, OMIM 220111.

Submission:

Myriad Genetics, Inc.
Classification: Pathogenic for Congenital lactic acidosis, Saguenay-Lac-Saint-Jean type. Last evaluated: 2026-03-22. Review status: criteria provided, single submitter. Criteria: Myriad Autosomal Dominant, Autosomal Recessive and X-Linked Classification Criteria (2023). Collection method: clinical testing. Allele origin: unknown.
Comment: NM_133259.3(LRPPRC):c.3834dupT(A1279Cfs*4) is expected to be pathogenic in the context of Leigh syndrome, French-Canadian type. This variant is predicted to lead to an abnormal or absent protein product due to the creation of a premature termination codon in LRPPRC, a gene where loss-of-function variants are known to be pathogenic. Please note: this variant was assessed in the context of healthy population screening.

NM_133259.4(LRPPRC):c.3834dup (p.Ala1279fs)

Gene: LRPPRC (leucine rich pentatricopeptide repeat containing; minus strand). Cytogenetic location: 2p21.
Variant type: Duplication.
Coding change: c.3834dup on transcript NM_133259.4 (MANE Select); coding-DNA position 3834, one base duplicated (T; older notation c.3834dupT).
Protein change: p.Ala1279fs; shifts the reading frame from alanine 1279.
Molecular consequence: frameshift variant.
Genome position (GRCh38, 1-based): chr2:43,896,700, A duplicated on the plus strand (T on the coding strand, the reverse complement: LRPPRC is on the minus strand). VCF-style (leftmost placement, unchanged base first): chr2-43896699-C-CA. GRCh37 (hg19) VCF-style: chr2-44123838-C-CA.
Other names: short protein forms A1279fs.
Identifiers: ClinVar variation 5015718 (VCV005015718.1).